The following is an entry in ClinVar:

ClinVar aggregate classification (germline): Uncertain significance (1 of 4 stars; one submission).

Conditions:
Autosomal dominant limb-girdle muscular dystrophy type 1F (LGMDD2). Also called: MUSCULAR DYSTROPHY, LIMB-GIRDLE, AUTOSOMAL DOMINANT 2; Limb-girdle muscular dystrophy, type 1F. Identifiers: Orphanet 55595, MedGen C1842062, MONDO:0012034, OMIM 608423.

Submission:

Labcorp Genetics (formerly Invitae), Labcorp
Classification: Uncertain significance for Autosomal dominant limb-girdle muscular dystrophy type 1F. Last evaluated: 2022-10-04. Review status: criteria provided, single submitter. Criteria: Invitae Variant Classification Sherloc (09022015). Collection method: clinical testing. Allele origin: germline.
Comment: In summary, the available evidence is currently insufficient to determine the role of this variant in disease. Therefore, it has been classified as a Variant of Uncertain Significance. Advanced modeling of protein sequence and biophysical properties (such as structural, functional, and spatial information, amino acid conservation, physicochemical variation, residue mobility, and thermodynamic stability) performed at Invitae indicates that this missense variant is not expected to disrupt TNPO3 protein function. ClinVar contains an entry for this variant (Variation ID: 1414239). This variant has not been reported in the literature in individuals affected with TNPO3-related conditions. This sequence change replaces glycine, which is neutral and non-polar, with cysteine, which is neutral and slightly polar, at codon 504 of the TNPO3 protein (p.Gly504Cys). This variant is not present in population databases (gnomAD no frequency).

NM_012470.4(TNPO3):c.1510G>T (p.Gly504Cys)

Gene: TNPO3 (transportin 3; minus strand). Cytogenetic location: 7q32.1.
Variant type: single nucleotide variant.
Coding change: c.1510G>T on transcript NM_012470.4 (MANE Select); coding-DNA position 1510, G replaced by T.
Protein change: p.Gly504Cys; replaces glycine 504 with cysteine.
Molecular consequence: missense variant. On other transcripts: non-coding transcript variant (18), intron variant (2).
Genome position (GRCh38, 1-based): chr7:128,986,909, C>A on the plus strand (G>T on the coding strand, the complement: TNPO3 is on the minus strand). VCF-style: chr7-128986909-C-A. GRCh37 (hg19) VCF-style: chr7-128626963-C-A.
Other names: c.1612G>T, p.Gly538Cys (NM_001382216.1); c.1591G>T, p.Gly531Cys (NM_001382217.1); c.1510G>T, p.Gly504Cys (NM_001382218.1, NM_001382220.1); c.1402G>T, p.Gly468Cys (NM_001382219.1); c.1366G>T, p.Gly456Cys (NM_001382221.1); c.1363G>T, p.Gly455Cys (NM_001382222.1); c.1499-2650G>T (NM_001382223.1, NM_001191028.3); short protein forms G455C, G504C, G538C, G456C, G468C, G531C.
Identifiers: ClinVar variation 1414239 (VCV001414239.6), dbSNP rs2150339692, ClinGen allele CA369226697.
Genomic context (GRCh38, chr7:128,986,909, plus strand): 5'-GAATGGCTTTGGCTGCAGCAGAAGCCAGGGGCTTTTCACACAGGCCTTTCATCAAATAGC[C>A]CAACACAGGGTCTAAGAAGAAAAGCCAAGCAGAGATTACATATCTGAAACTAAAGGAAAA-3'
Protein context (NP_036602.1, residues 494-514): RNPQFLDPVL[Gly504Cys]YLMKGLCEKP